The following is an entry in ClinVar:

ClinVar aggregate classification (germline): Benign (1 of 4 stars; one submission).

Conditions:
Oroticaciduria. Also called: Orotic aciduria. Identifiers: Orphanet 30, MedGen C0268128, HP:0003218.

Allele frequency attached by ClinVar (database versions not stated): gnomAD 0.00281 and 0.00259; TOPMed 0.00311; 1000 Genomes Project 0.00379; 1000 Genomes Project 30x 0.00406; ExAC 0.00028; gnomAD exomes 0.00034 and 0.00062.
gnomAD v4.1: 500 of 453,814 alleles (0.11%); highest among the groups gnomAD compares: African/African-American, 0.82%; 3 homozygotes.

Submission:

Illumina Laboratory Services, Illumina
Classification: Benign for Hereditary orotic aciduria. Last evaluated: 2018-01-13. Review status: criteria provided, single submitter. Criteria: ICSL Variant Classification Criteria 13 December 2019. Collection method: clinical testing. Allele origin: germline.
Comment: This variant was observed in the ICSL laboratory as part of a predisposition screen in an ostensibly healthy population. It had not been previously curated by ICSL or reported in the Human Gene Mutation Database (HGMD: prior to June 1st, 2018), and was therefore a candidate for classification through an automated scoring system. Utilizing variant allele frequency, disease prevalence and penetrance estimates, and inheritance mode, an automated score was calculated to assess if this variant is too frequent to cause the disease. Based on the score and internal cut-off values, a variant classified as benign is not then subjected to further curation. The score for this variant resulted in a classification of benign for this disease.

NM_000373.4(UMPS):c.*3020G>A

Gene: UMPS (uridine monophosphate synthetase; plus strand). Cytogenetic location: 3q21.2.
Variant type: single nucleotide variant.
Coding change: c.*3020G>A on transcript NM_000373.4 (MANE Select); 3020 bases downstream of the stop codon, G replaced by A.
Molecular consequence: 3 prime UTR variant. On other transcripts: non-coding transcript variant (2).
Genome position (GRCh38, 1-based): chr3:124,747,104, G>A. VCF-style: chr3-124747104-G-A. GRCh37 (hg19) VCF-style: chr3-124465951-G-A.
Identifiers: ClinVar variation 901791 (VCV000901791.4), dbSNP rs185476268, ClinGen allele CA2582086.